The following is an entry in ClinVar:

ClinVar aggregate classification (germline): Uncertain significance (1 of 4 stars; one submission).

Conditions:
Hereditary cancer-predisposing syndrome. Also called: Hereditary neoplastic syndrome; Hereditary Cancer Syndrome; Neoplastic Syndromes, Hereditary; Tumor predisposition. Identifiers: Orphanet 140162, MedGen C0027672, MeSH D009386, MONDO:0015356.

Submission:

Ambry Genetics
Classification: Uncertain significance for Hereditary cancer-predisposing syndrome. Last evaluated: 2023-05-25. Review status: criteria provided, single submitter. Criteria: Ambry Variant Classification Scheme 2023. Collection method: clinical testing. Allele origin: germline.
Comment: The p.D1014Y variant (also known as c.3040G>T) is located in coding exon 19 of the RET gene. The aspartic acid at codon 1014 is replaced by tyrosine, an amino acid with highly dissimilar properties. This change occurs in the first base pair of coding exon 19. This amino acid position is highly conserved in available vertebrate species. In addition, this alteration is predicted to be deleterious by in silico analysis. Since supporting evidence is limited at this time, the clinical significance of this alteration remains unclear.

NM_020975.6(RET):c.3040G>T (p.Asp1014Tyr)

Gene: RET (ret proto-oncogene; plus strand). Cytogenetic location: 10q11.21.
Variant type: single nucleotide variant.
Coding change: c.3040G>T on transcript NM_020975.6 (MANE Select); coding-DNA position 3040, G replaced by T.
Protein change: p.Asp1014Tyr; replaces aspartic acid 1014 with tyrosine.
Molecular consequence: missense variant.
Genome position (GRCh38, 1-based): chr10:43,126,575, G>T. VCF-style: chr10-43126575-G-T. GRCh37 (hg19) VCF-style: chr10-43622023-G-T.
Other names: c.3040G>T, p.Asp1014Tyr (NM_000323.2, NM_001406743.1, NM_001406744.1 and 4 more transcripts); c.2278G>T, p.Asp760Tyr (NM_001355216.2); c.2911G>T, p.Asp971Tyr (NM_001406761.1, NM_001406762.1, NM_001406764.1); c.2905G>T, p.Asp969Tyr (NM_001406763.1, NM_001406765.1); c.2752G>T, p.Asp918Tyr (NM_001406766.1, NM_001406767.1, NM_001406770.1); c.2776G>T, p.Asp926Tyr (NM_001406768.1); c.2644G>T, p.Asp882Tyr (NM_001406769.1, NM_001406772.1); c.2602G>T, p.Asp868Tyr (NM_001406771.1, NM_001406773.1); and 10 more; short protein forms D531Y, D579Y, D684Y, D760Y, D971Y, D619Y, D882Y, D918Y.
Identifiers: ClinVar variation 2568360 (VCV002568360.2), dbSNP rs1371047639, ClinGen allele CA376558265.